The following is an entry in ClinVar:

NM_003823.4(TNFRSF6B):c.289G>A (p.Glu97Lys)

Genes: RTEL1-TNFRSF6B (RTEL1-TNFRSF6B readthrough (NMD candidate); plus strand), TNFRSF6B (TNF receptor superfamily member 6b; plus strand). Cytogenetic location: 20q13.33.
Variant type: single nucleotide variant.
Coding change: c.289G>A on transcript NM_003823.4 (MANE Select); coding-DNA position 289, G replaced by A.
Protein change: p.Glu97Lys; replaces glutamic acid 97 with lysine.
Molecular consequence: missense variant. On other transcripts: non-coding transcript variant (1).
Genome position (GRCh38, 1-based): chr20:63,697,056, G>A. VCF-style: chr20-63697056-G-A. GRCh37 (hg19) VCF-style: chr20-62328409-G-A.
Other names: short protein forms E97K.
Identifiers: ClinVar variation 4711667 (VCV004711667.1).

ClinVar aggregate classification (germline): Uncertain significance (1 of 4 stars; one submission).

gnomAD v4.1: 1 of 1,607,682 alleles (0.000062%); highest among the groups gnomAD compares: Non-Finnish European, 0.000085%; no homozygotes.

Submission:

Labcorp Genetics (formerly Invitae), Labcorp
Classification: Uncertain significance. Last evaluated: 2025-09-14. Review status: criteria provided, single submitter. Criteria: Invitae Variant Classification Sherloc (09022015). Collection method: clinical testing. Allele origin: germline.
Comment: This sequence change replaces glutamic acid, which is acidic and polar, with lysine, which is basic and polar, at codon 97 of the TNFRSF6B protein (p.Glu97Lys). The frequency data for this variant in the population databases is considered unreliable, as metrics indicate poor data quality at this position in the gnomAD database. This variant has not been reported in the literature in individuals affected with TNFRSF6B-related conditions. An algorithm developed to predict the effect of missense changes on protein structure and function (PolyPhen-2) suggests that this variant is likely to be disruptive. In summary, the available evidence is currently insufficient to determine the role of this variant in disease. Therefore, it has been classified as a Variant of Uncertain Significance.